The following is an entry in ClinVar:

NM_001256012.3(MYH10):c.2120T>C (p.Val707Ala)

Gene: MYH10 (myosin heavy chain 10; minus strand). Cytogenetic location: 17p13.1.
Variant type: single nucleotide variant.
Coding change: c.2120T>C on transcript NM_001256012.3 (MANE Select); coding-DNA position 2120, T replaced by C.
Protein change: p.Val707Ala; replaces valine 707 with alanine.
Molecular consequence: missense variant.
Genome position (GRCh38, 1-based): chr17:8,521,123, A>G on the plus strand (T>C on the coding strand, the complement: MYH10 is on the minus strand). VCF-style: chr17-8521123-A-G. GRCh37 (hg19) VCF-style: chr17-8424441-A-G.
Other names: c.2054T>C, p.Val685Ala (NM_001256095.2); c.2057T>C, p.Val686Ala (NM_001375266.1); c.2027T>C, p.Val676Ala (NM_005964.5); short protein forms V686A, V707A, V676A, V685A.
Identifiers: ClinVar variation 3155981 (VCV003155981.1), dbSNP rs1471840391, ClinGen allele CA398041156.

ClinVar aggregate classification (germline): Uncertain significance (1 of 4 stars; one submission).

Conditions:
Inborn genetic diseases. Identifiers: MedGen C0950123, MeSH D030342.

Allele frequency attached by ClinVar (database versions not stated): TOPMed below 0.00001.

Submission:

Ambry Genetics
Classification: Uncertain significance for Inborn genetic diseases. Last evaluated: 2024-02-15. Review status: criteria provided, single submitter. Criteria: Ambry Variant Classification Scheme 2023. Collection method: clinical testing. Allele origin: germline.
Comment: The c.2027T>C (p.V676A) alteration is located in exon 16 (coding exon 15) of the MYH10 gene. This alteration results from a T to C substitution at nucleotide position 2027, causing the valine (V) at amino acid position 676 to be replaced by an alanine (A). This variant was not reported in population-based cohorts in the Genome Aggregation Database (gnomAD). This amino acid position is highly conserved in available vertebrate species. This alteration is predicted to be deleterious by in silico analysis. Based on insufficient or conflicting evidence, the clinical significance of this alteration remains unclear.